The following is an entry in ClinVar:

NM_002880.4(RAF1):c.680+233A>G

Gene: RAF1 (Raf-1 proto-oncogene, serine/threonine kinase; minus strand). Cytogenetic location: 3p25.2.
Variant type: single nucleotide variant.
Coding change: c.680+233A>G on transcript NM_002880.4 (MANE Select); 233 bases into the intron after coding-DNA position 680, A replaced by G.
Molecular consequence: intron variant.
Genome position (GRCh38, 1-based): chr3:12,605,968, T>C on the plus strand (A>G on the coding strand, the complement: RAF1 is on the minus strand). VCF-style: chr3-12605968-T-C. GRCh37 (hg19) VCF-style: chr3-12647467-T-C.
Other names: c.339-1679A>G (NM_001354695.3); c.437+233A>G (NM_001354692.3, NM_001354694.3, NM_001354691.3); c.582-1679A>G (NM_001354693.3); c.680+233A>G (NM_001354689.3, NM_001354690.3).
Identifiers: ClinVar variation 3024625 (VCV003024625.22), dbSNP rs1575576740, ClinGen allele CA1045155134.
Genomic context (GRCh38, chr3:12,605,968, plus strand): 5'-ACTGAGGAAAGCAGAATCTCAAGCTCTTTAAAATGTAATGACATATTAAGAAATATGCTA[T>C]GATAACAGAAGAAGCTACAGTCAAAGTCACTTTCCAGAATGTAAGACCTACAGGTCCATA-3'

ClinVar aggregate classification (germline): Benign (1 of 4 stars; one submission).

Allele frequency attached by ClinVar (database versions not stated): gnomAD 0.00006.

Submission:

CeGaT Center for Human Genetics Tuebingen
Classification: Benign. Last evaluated: 2023-12-01. Review status: criteria provided, single submitter. Criteria: CeGaT Center For Human Genetics Tuebingen Variant Classification Criteria Version 2. Collection method: clinical testing. Allele origin: germline. Affected: yes. Observed: 1 variant allele.
Comment: RAF1: BS1, BS2